The following is an entry in ClinVar:

NM_133478.3(SLC4A5):c.867+10C>T

Gene: SLC4A5 (solute carrier family 4 member 5; minus strand). Cytogenetic location: 2p13.1.
Variant type: single nucleotide variant.
Coding change: c.867+10C>T on transcript NM_133478.3 (MANE Select); 10 bases into the intron after coding-DNA position 867, C replaced by T.
Molecular consequence: intron variant.
Genome position (GRCh38, 1-based): chr2:74,259,578, G>A on the plus strand (C>T on the coding strand, the complement: SLC4A5 is on the minus strand). VCF-style: chr2-74259578-G-A. GRCh37 (hg19) VCF-style: chr2-74486705-G-A.
Other names: c.519+10C>T (NM_001386136.1); c.867+10C>T (NM_021196.3).
Identifiers: ClinVar variation 3045348 (VCV003045348.2), dbSNP rs201404795, ClinGen allele CA1721003.

ClinVar aggregate classification (germline): Likely benign (0 of 4 stars; one submission).

Conditions:
SLC4A5-related disorder. Also called: SLC4A5-related condition.

Allele frequency attached by ClinVar (database versions not stated): 1000 Genomes Project 0.00060; 1000 Genomes Project 30x 0.00062; gnomAD 0.00078; ESP Exome Variant Server 0.00123.
gnomAD v4.1: 231 of 1,614,152 alleles (0.014%); highest among the groups gnomAD compares: African/African-American, 0.26%; no homozygotes.

Submission:

PreventionGenetics, part of Exact Sciences
Classification: Likely benign for SLC4A5-related condition. Last evaluated: 2019-10-04. Review status: no assertion criteria provided. Collection method: clinical testing. Allele origin: germline.
Comment: This variant is classified as likely benign based on ACMG/AMP sequence variant interpretation guidelines (Richards et al. 2015 PMID: 25741868, with internal and published modifications).